The following is an entry in ClinVar:

NM_000053.4(ATP7B):c.2731-67A>G

Gene: ATP7B (ATPase copper transporting beta; minus strand). Cytogenetic location: 13q14.3.
Variant type: single nucleotide variant.
Coding change: c.2731-67A>G on transcript NM_000053.4 (MANE Select); 67 bases into the intron before coding-DNA position 2731, A replaced by G.
Molecular consequence: intron variant.
Genome position (GRCh38, 1-based): chr13:51,949,863, T>C on the plus strand (A>G on the coding strand, the complement: ATP7B is on the minus strand). VCF-style: chr13-51949863-T-C. GRCh37 (hg19) VCF-style: chr13-52523999-T-C.
Other names: c.2245-67A>G (NM_001406541.1, NM_001406546.1, NM_001406542.1); c.2479-67A>G (NM_001406531.1, NM_001406532.1, NM_001406540.1 and 1 more transcripts); c.2497-67A>G (NM_001406527.1, NM_001406528.1, NM_001406534.1 and 2 more transcripts); c.2587-67A>G (NM_001406537.1, NM_001406521.1, NM_001406522.1 and 1 more transcripts); c.2731-67A>G (NM_001406513.1, NM_001406511.1, NM_001406516.1 and 5 more transcripts); c.2383-67A>G (NM_001406543.1); c.2398-67A>G (NM_001243182.2); c.1441-67A>G (NM_001406548.1); and 10 more.
Identifiers: ClinVar variation 3339819 (VCV003339819.1).

ClinVar aggregate classification (germline): Uncertain significance (1 of 4 stars; one submission).

gnomAD v4.1: 9 of 1,611,982 alleles (0.00056%); highest among the groups gnomAD compares: East Asian, 0.013%; no homozygotes.

Submission:

Women's Health and Genetics/Laboratory Corporation of America, LabCorp
Classification: Uncertain significance. Last evaluated: 2024-06-24. Review status: criteria provided, single submitter. Criteria: LabCorp Variant Classification Summary - May 2015. Collection method: clinical testing. Allele origin: germline.
Comment: Variant summary: ATP7B c.2731-67A>G is located at a position not widely known to affect splicing. Consensus agreement among computation tools predict no significant impact on normal splicing. However, in a minigene system, the variant resulted in the retention of introns 10 and 11 (Xu_2023). The variant was absent in 247458 control chromosomes (gnomAD). c.2731-67A>G has been reported in the literature in at least an individual affected with clinical features of Wilson Disease (Xu_2023). These report(s) do not provide unequivocal conclusions about association of the variant with Wilson Disease. The following publication has been ascertained in the context of this evaluation (PMID: 36343861). No submitters have cited clinical-significance assessments for this variant to ClinVar. Based on the evidence outlined above, the variant was classified as VUS-possibly pathogenic.

Literature cited by the submitters: PubMed 36343861.